The following is an entry in ClinVar:

NM_000051.4(ATM):c.3673C>T (p.Gln1225Ter)

Gene: ATM (ATM serine/threonine kinase; plus strand). Cytogenetic location: 11q22.3.
Variant type: single nucleotide variant.
Coding change: c.3673C>T on transcript NM_000051.4 (MANE Select); coding-DNA position 3673, C replaced by T.
Protein change: p.Gln1225Ter; replaces glutamine 1225 with a stop codon.
Molecular consequence: nonsense.
Genome position (GRCh38, 1-based): chr11:108,282,806, C>T. VCF-style: chr11-108282806-C-T. GRCh37 (hg19) VCF-style: chr11-108153533-C-T.
Other names: c.3673C>T, p.Gln1225Ter (NM_001351834.2); short protein forms Q1225*.
Identifiers: ClinVar variation 453480 (VCV000453480.21), dbSNP rs1555092430, ClinGen allele CA382523231.

ClinVar aggregate classification (germline): Pathogenic. Review status: criteria provided, multiple submitters, no conflicts (2 of 4 stars). 7 submissions from 7 submitters: Pathogenic (7). Last evaluated 2026-08-27.

Conditions:
Ataxia-telangiectasia syndrome (AT). Also called: Ataxia-telangiectasia, complementation group D; AT, COMPLEMENTATION GROUP C; LOUIS-BAR SYNDROME; Ataxia-telangiectasia, complementation group E; Cerebello-oculocutaneous telangiectasia; Immunodeficiency with ataxia telangiectasia. Identifiers: Orphanet 100, MedGen C0004135, MONDO:0008840, OMIM 208900.
Familial cancer of breast. Also called: hereditary breast carcinoma; Hereditary breast cancer; BREAST CANCER, FAMILIAL. Identifiers: Orphanet 227535, MedGen C0346153, MONDO:0016419, OMIM 114480. Disease mechanism: loss of function.
Hereditary cancer-predisposing syndrome. Also called: Neoplastic Syndromes, Hereditary; Hereditary neoplastic syndrome; Hereditary Cancer Syndrome; Tumor predisposition. Identifiers: Orphanet 140162, MedGen C0027672, MeSH D009386, MONDO:0015356.

Allele frequency attached by ClinVar (database versions not stated): TOPMed below 0.00001.

Submissions (7):

Ambry Genetics
Classification: Pathogenic for Hereditary cancer-predisposing syndrome. Last evaluated: 2026-08-27. Review status: criteria provided, single submitter. Criteria: Ambry Variant Classification Scheme 2023. Collection method: clinical testing. Allele origin: germline.
Comment: The p.Q1225* pathogenic mutation (also known as c.3673C>T), located in coding exon 24 of the ATM gene, results from a C to T substitution at nucleotide position 3673. This changes the amino acid from a glutamine to a stop codon within coding exon 24. This alteration has been reported in individuals diagnosed with ataxia-telangiectasia (Mitui M et al. Hum. Mutat. 2003 Jul;22:43-50; Barbaro M et al. J. Clin. Immunol., 2017 Jan;37:51-60). This variant is considered to be rare based on population cohorts in the Genome Aggregation Database (gnomAD). This alteration is expected to result in loss of function by premature protein truncation or nonsense-mediated mRNA decay. As such, this alteration is interpreted as a disease-causing mutation.

Labcorp Genetics (formerly Invitae), Labcorp
Classification: Pathogenic for Ataxia-telangiectasia syndrome. Last evaluated: 2025-10-27. Review status: criteria provided, single submitter. Criteria: Invitae Variant Classification Sherloc (09022015). Collection method: clinical testing. Allele origin: germline.
Comment: This sequence change creates a premature translational stop signal (p.Gln1225*) in the ATM gene. It is expected to result in an absent or disrupted protein product. Loss-of-function variants in ATM are known to be pathogenic (PMID: 23807571, 25614872). This variant is not present in population databases (gnomAD no frequency). This premature translational stop signal has been observed in individual(s) with ataxia-telangiectasia (PMID: 12815592, 27873105). In at least one individual the data is consistent with being in trans (on the opposite chromosome) from a pathogenic variant. ClinVar contains an entry for this variant (Variation ID: 453480). Algorithms developed to predict the effect of sequence changes on RNA splicing suggest that this variant may disrupt the consensus splice site. For these reasons, this variant has been classified as Pathogenic.

Center for Genomic Medicine, Rigshospitalet, Copenhagen University Hospital
Classification: Pathogenic. Last evaluated: 2025-03-04. Review status: criteria provided, single submitter. Criteria: ACMG Guidelines, 2015. Collection method: clinical testing. Allele origin: germline.

Centre for Clinical Genetics and Genomic Diagnostics, Zealand University Hospital
Classification: Pathogenic. Last evaluated: 2024-07-15. Review status: criteria provided, single submitter. Criteria: ACMG Guidelines, 2015. Collection method: clinical testing. Allele origin: germline.

Myriad Genetics, Inc.
Classification: Pathogenic for Familial cancer of breast. Last evaluated: 2024-01-22. Review status: criteria provided, single submitter. Criteria: Myriad Autosomal Dominant, Autosomal Recessive and X-Linked Classification Criteria (2023). Collection method: clinical testing. Allele origin: unknown.
Comment: This variant is considered pathogenic. This variant creates a termination codon and is predicted to result in premature protein truncation.

GeneDx
Classification: Pathogenic. Last evaluated: 2023-10-30. Review status: criteria provided, single submitter. Criteria: GeneDx Variant Classification Process June 2021. Collection method: clinical testing. Allele origin: germline. Affected: yes.
Comment: Nonsense variant predicted to result in protein truncation or nonsense mediated decay in a gene for which loss of function is a known mechanism of disease; Not observed at significant frequency in large population cohorts (gnomAD); Truncating variants in this gene are considered pathogenic by a well-established clinical consortium and/or database; This variant is associated with the following publications: (PMID: 25525159, 12815592, 15498871, 27873105)

Institute of Medical Genetics and Applied Genomics, University Hospital Tübingen
Classification: Pathogenic. Last evaluated: 2020-10-23. Review status: criteria provided, single submitter. Criteria: ACMG Guidelines, 2015. Collection method: clinical testing. Allele origin: germline. Inheritance: Autosomal unknown. Affected: yes.

Literature cited by the submitters: PubMed 12815592 (cited by 3 submitters); PubMed 15498871 (cited by Ambry Genetics); PubMed 27873105 (cited by 3 submitters); PubMed 23807571 (cited by Labcorp Genetics (formerly Invitae), Labcorp); PubMed 25614872 (cited by Labcorp Genetics (formerly Invitae), Labcorp).